The following is an entry in ClinVar:

ClinVar aggregate classification (germline): Uncertain significance (1 of 4 stars; one submission).

Submission:

GeneDx
Classification: Uncertain significance. Last evaluated: 2019-08-04. Review status: criteria provided, single submitter. Criteria: GeneDx Variant Classification Process June 2021. Collection method: clinical testing. Allele origin: germline. Affected: yes.
Comment: Not observed in large population cohorts (Lek et al., 2016); Has not been previously published as pathogenic or benign to our knowledge; In silico analysis, which includes splice predictors and evolutionary conservation, suggests this variant may impact gene splicing. In the absence of RNA/functional studies, the actual effect of this sequence change is unknown.

NM_000550.3(TYRP1):c.913+6T>C

Gene: TYRP1 (tyrosinase related protein 1; plus strand). Cytogenetic location: 9p23.
Variant type: single nucleotide variant.
Coding change: c.913+6T>C on transcript NM_000550.3 (MANE Select); 6 bases into the intron after coding-DNA position 913, T replaced by C.
Molecular consequence: intron variant.
Genome position (GRCh38, 1-based): chr9:12,698,661, T>C. VCF-style: chr9-12698661-T-C. GRCh37 (hg19) VCF-style: chr9-12698661-T-C.
Identifiers: ClinVar variation 1307301 (VCV001307301.2), dbSNP rs2118234127, ClinGen allele CA2573053086.